The following is an entry in ClinVar:

NM_000719.7(CACNA1C):c.4862C>T (p.Thr1621Met)

Genes: CACNA1C (calcium voltage-gated channel subunit alpha1 C; plus strand), CACNA1C-AS1 (CACNA1C antisense RNA 1; minus strand). Cytogenetic location: 12p13.33.
Variant type: single nucleotide variant.
Coding change: c.4862C>T on transcript NM_000719.7 (MANE Select); coding-DNA position 4862, C replaced by T.
Protein change: p.Thr1621Met; replaces threonine 1621 with methionine.
Molecular consequence: missense variant. On other transcripts: non-coding transcript variant (1).
Genome position (GRCh38, 1-based): chr12:2,677,127, C>T. VCF-style: chr12-2677127-C-T. GRCh37 (hg19) VCF-style: chr12-2786293-C-T.
Other names: c.5006C>T, p.Thr1669Met (NM_001129827.2, NM_199460.4); c.4985C>T, p.Thr1662Met (NM_001129829.2); c.4862C>T, p.Thr1621Met (NM_001129830.3, NM_001129840.2, NM_001129841.2 and 4 more transcripts); c.4946C>T, p.Thr1649Met (NM_001129831.2); c.4922C>T, p.Thr1641Met (NM_001129832.2); c.4919C>T, p.Thr1640Met (NM_001129833.2, NM_001129834.2, NM_001129835.2); c.4913C>T, p.Thr1638Met (NM_001129836.2); c.4886C>T, p.Thr1629Met (NM_001129837.2, NM_001129838.2); and 3 more; short protein forms T1610M, T1618M, T1621M, T1627M, T1629M, T1638M, T1640M, T1641M.
Identifiers: ClinVar variation 1310690 (VCV001310690.2), dbSNP rs2153787309, ClinGen allele CA383377960.

ClinVar aggregate classification (germline): Uncertain significance (1 of 4 stars; one submission).

Submission:

GeneDx
Classification: Uncertain significance. Last evaluated: 2019-09-04. Review status: criteria provided, single submitter. Criteria: GeneDx Variant Classification Process June 2021. Collection method: clinical testing. Allele origin: germline. Affected: yes.
Comment: Has not been previously published as pathogenic or benign to our knowledge; Not observed in large population cohorts (Lek et al., 2016); In silico analysis, which includes protein predictors and evolutionary conservation, supports a deleterious effect